The following is an entry in ClinVar:

ClinVar aggregate classification (germline): Uncertain significance. Review status: criteria provided, multiple submitters, no conflicts (2 of 4 stars). 2 submissions from 2 submitters: Uncertain significance (2). Last evaluated 2024-08-29.

Conditions:
Hereditary spastic paraplegia 11. Also called: Spastic Paraplegia 11; Spastic paraplegia, mental retardation and thin corpus callosum; SPASTIC PARAPLEGIA, AUTOSOMAL RECESSIVE, COMPLICATED, WITH THIN CORPUS CALLOSUM; SPASTIC PARAPLEGIA, AUTOSOMAL RECESSIVE, WITH MENTAL IMPAIRMENT AND THIN CORPUS CALLOSUM; Nakamura Osame syndrome; Autosomal recessive hereditary spastic paraplegia, mental impairment, and thin corpus callosum. Identifiers: Orphanet 2822, MedGen C1858479, MONDO:0011445, OMIM 604360.

Allele frequency attached by ClinVar (database versions not stated): TOPMed 0.00002; ESP Exome Variant Server 0.00008.
gnomAD v4.1: 31 of 1,613,826 alleles (0.0019%); highest among the groups gnomAD compares: Middle Eastern, 0.016%; no homozygotes.

Submissions (2):

Labcorp Genetics (formerly Invitae), Labcorp
Classification: Uncertain significance for Hereditary spastic paraplegia 11. Last evaluated: 2024-08-29. Review status: criteria provided, single submitter. Criteria: Invitae Variant Classification Sherloc (09022015). Collection method: clinical testing. Allele origin: germline.
Comment: This sequence change replaces arginine, which is basic and polar, with histidine, which is basic and polar, at codon 93 of the SPG11 protein (p.Arg93His). This variant is present in population databases (rs149254262, gnomAD 0.008%). This variant has not been reported in the literature in individuals affected with SPG11-related conditions. ClinVar contains an entry for this variant (Variation ID: 1434058). An algorithm developed to predict the effect of missense changes on protein structure and function outputs the following: PolyPhen-2: "Benign". The histidine amino acid residue is found in multiple mammalian species, which suggests that this missense change does not adversely affect protein function. In summary, the available evidence is currently insufficient to determine the role of this variant in disease. Therefore, it has been classified as a Variant of Uncertain Significance.

Revvity Omics, Revvity
Classification: Uncertain significance. Last evaluated: 2022-06-10. Review status: criteria provided, single submitter. Criteria: ACMG Guidelines, 2015. Collection method: clinical testing. Allele origin: germline.

NM_025137.4(SPG11):c.278G>A (p.Arg93His)

Gene: SPG11 (SPG11 vesicle trafficking associated, spatacsin; minus strand). Cytogenetic location: 15q21.1.
Variant type: single nucleotide variant.
Coding change: c.278G>A on transcript NM_025137.4 (MANE Select); coding-DNA position 278, G replaced by A.
Protein change: p.Arg93His; replaces arginine 93 with histidine.
Molecular consequence: missense variant.
Genome position (GRCh38, 1-based): chr15:44,660,596, C>T on the plus strand (G>A on the coding strand, the complement: SPG11 is on the minus strand). VCF-style: chr15-44660596-C-T. GRCh37 (hg19) VCF-style: chr15-44952794-C-T.
Other names: c.278G>A, p.Arg93His (NM_001160227.2); short protein forms R93H.
Identifiers: ClinVar variation 1434058 (VCV001434058.8), dbSNP rs149254262, ClinGen allele CA7535879.